The following is an entry in ClinVar:

NM_001377.3(DYNC2H1):c.4729A>G (p.Ile1577Val)

Gene: DYNC2H1 (dynein cytoplasmic 2 heavy chain 1; plus strand). Cytogenetic location: 11q22.3.
Variant type: single nucleotide variant.
Coding change: c.4729A>G on transcript NM_001377.3 (MANE Select); coding-DNA position 4729, A replaced by G.
Protein change: p.Ile1577Val; replaces isoleucine 1577 with valine.
Molecular consequence: missense variant.
Genome position (GRCh38, 1-based): chr11:103,166,015, A>G. VCF-style: chr11-103166015-A-G. GRCh37 (hg19) VCF-style: chr11-103036744-A-G.
Other names: c.4729A>G, p.Ile1577Val (NM_001080463.2); short protein forms I1577V.
Identifiers: ClinVar variation 1907193 (VCV001907193.2), dbSNP rs1013389658, ClinGen allele CA227396076.
Genomic context (GRCh38, chr11:103,166,015, plus strand): 5'-GATCATAGTCTTCATCAGATTGAAACACAACTGGTGAATAAGTTAGAGCAATATACTAAC[A>G]TTGATACAAGTTCTGAGGATCCAGGGAATACTGGTATGGAAAAGACATTCCCTTTTCTGC-3'
Protein context (NP_001368.2, residues 1567-1587): LVNKLEQYTN[Ile1577Val]DTSSEDPGNT

ClinVar aggregate classification (germline): Uncertain significance (1 of 4 stars; one submission).

Conditions:
Jeune thoracic dystrophy. Also called: Short-rib thoracic dysplasia; Jeune syndrome; Infantile thoracic dystrophy; Thoracic pelvic phalangeal dystrophy; Jeune's syndrome; Chondroectodermal dysplasia-like syndrome. Identifiers: Orphanet 474, MedGen C0265275, MONDO:0018770.

Allele frequency attached by ClinVar (database versions not stated): gnomAD exomes below 0.00001; TOPMed 0.00001; gnomAD 0.00002.
gnomAD v4.1: 8 of 1,533,568 alleles (0.00052%); highest among the groups gnomAD compares: African/African-American, 0.0014%; no homozygotes.

Submission:

Labcorp Genetics (formerly Invitae), Labcorp
Classification: Uncertain significance for Jeune thoracic dystrophy. Last evaluated: 2022-03-14. Review status: criteria provided, single submitter. Criteria: Invitae Variant Classification Sherloc (09022015). Collection method: clinical testing. Allele origin: germline.
Comment: This sequence change replaces isoleucine, which is neutral and non-polar, with valine, which is neutral and non-polar, at codon 1577 of the DYNC2H1 protein (p.Ile1577Val). This variant is present in population databases (no rsID available, gnomAD 0.007%). This variant has not been reported in the literature in individuals affected with DYNC2H1-related conditions. Advanced modeling of protein sequence and biophysical properties (such as structural, functional, and spatial information, amino acid conservation, physicochemical variation, residue mobility, and thermodynamic stability) performed at Invitae indicates that this missense variant is not expected to disrupt DYNC2H1 protein function. In summary, the available evidence is currently insufficient to determine the role of this variant in disease. Therefore, it has been classified as a Variant of Uncertain Significance.